The following is an entry in ClinVar:

NM_130839.5(UBE3A):c.1658A>G (p.Tyr553Cys)

Genes: SNHG14 (small nucleolar RNA host gene 14; plus strand), UBE3A (ubiquitin protein ligase E3A; minus strand). Cytogenetic location: 15q11.2.
Variant type: single nucleotide variant.
Coding change: c.1658A>G on transcript NM_130839.5 (MANE Select); coding-DNA position 1658, A replaced by G.
Protein change: p.Tyr553Cys; replaces tyrosine 553 with cysteine.
Molecular consequence: missense variant. On other transcripts: non-coding transcript variant (1).
Genome position (GRCh38, 1-based): chr15:25,360,478, T>C on the plus strand (A>G on the coding strand, the complement: UBE3A is on the minus strand). VCF-style: chr15-25360478-T-C. GRCh37 (hg19) VCF-style: chr15-25605625-T-C.
Other names: c.1598A>G, p.Tyr533Cys (NM_001354509.2, NM_001354511.2, NM_001354512.2 and 17 more transcripts); c.1658A>G, p.Tyr553Cys (NM_001354538.2, NM_001354505.1, NM_001354545.2); c.347A>G, p.Tyr116Cys (NM_001354551.2); c.1667A>G, p.Tyr556Cys (NM_000462.5); c.1481A>G, p.Tyr494Cys (NM_001354546.2); c.407A>G, p.Tyr136Cys (NM_001354550.2); short protein forms Y116C, Y136C, Y494C, Y533C, Y553C, Y556C.
Identifiers: ClinVar variation 3893646 (VCV003893646.1).

ClinVar aggregate classification (germline): Uncertain significance (1 of 4 stars; one submission).

Submission:

GeneDx
Classification: Uncertain significance. Last evaluated: 2024-10-28. Review status: criteria provided, single submitter. Criteria: GeneDx Variant Classification Process June 2021. Collection method: clinical testing. Allele origin: germline. Affected: yes.
Comment: Not observed at significant frequency in large population cohorts (gnomAD); In silico analysis supports that this missense variant has a deleterious effect on protein structure/function; Has not been previously published as pathogenic or benign to our knowledge